The following is an entry in ClinVar:

ClinVar aggregate classification (germline): Pathogenic (1 of 4 stars; one submission).

Submission:

ISCA site 4
Classification: Pathogenic. Last evaluated: 2011-08-12. Review status: criteria provided, single submitter. Criteria: Kaminsky et al. (Genet Med. 2011). Collection method: clinical testing. Allele origin: unknown. Affected: yes. Observed: 1 variant allele.
Comment: Copy number variation identified through the course of routine clinical cytogenomic testing in postnatal populations. Clinical assertions have been curated as described in Kaminsky et al. 2011.

GRCh38/hg38 15q11.2-13.1(chr15:23411789-28314256)x1

Genes: ATP10A (ATPase phospholipid transporting 10A (putative); minus strand), ATP10A-DT (ATP10A divergent transcript; plus strand), GABRA5 (gamma-aminobutyric acid type A receptor subunit alpha5; plus strand), GABRB3 (gamma-aminobutyric acid type A receptor subunit beta3; minus strand), GABRG3 (gamma-aminobutyric acid type A receptor subunit gamma3; plus strand) and 138 more. Cytogenetic location: 15q11.2-13.1.
Variant type: copy number loss.
Change: copy number 1 (one copy instead of two) of chr15:23,411,789-28,314,256 (4.90 Mb, GRCh38 coordinates, 1-based), cytogenetic band 15q11.2-13.1.
Identifiers: ClinVar variation 57194 (VCV000057194.1).